The following is an entry in ClinVar:

NM_182961.4(SYNE1):c.10379A>G (p.Tyr3460Cys)

Gene: SYNE1 (spectrin repeat containing nuclear envelope protein 1; minus strand). Cytogenetic location: 6q25.2.
Variant type: single nucleotide variant.
Coding change: c.10379A>G on transcript NM_182961.4 (MANE Select); coding-DNA position 10379, A replaced by G.
Protein change: p.Tyr3460Cys; replaces tyrosine 3460 with cysteine.
Molecular consequence: missense variant.
Genome position (GRCh38, 1-based): chr6:152,359,379, T>C on the plus strand (A>G on the coding strand, the complement: SYNE1 is on the minus strand). VCF-style: chr6-152359379-T-C. GRCh37 (hg19) VCF-style: chr6-152680514-T-C.
Other names: c.10400A>G, p.Tyr3467Cys (NM_033071.5); short protein forms Y3460C, Y3467C.
Identifiers: ClinVar variation 2159104 (VCV002159104.4), dbSNP rs750619051, ClinGen allele CA4056972.

ClinVar aggregate classification (germline): Uncertain significance (1 of 4 stars; one submission).

Conditions:
Autosomal recessive ataxia, Beauce type. Also called: SYNE1-Related Autosomal Recessive Cerebellar Ataxia; Spinocerebellar ataxia, autosomal recessive 8; ATAXIA, RECESSIVE, OF BEAUCE; SYNE1 Deficiency. Identifiers: Orphanet 88644, MedGen C1853116, MONDO:0012549, OMIM 610743.
Emery-Dreifuss muscular dystrophy 4, autosomal dominant (EDMD4). Also called: EMERY-DREIFUSS MUSCULAR DYSTROPHY 4 WITH VARIABLE FEATURES. Identifiers: Orphanet 261, MedGen C2751807, MONDO:0013071, OMIM 612998.

Allele frequency attached by ClinVar (database versions not stated): gnomAD exomes below 0.00001; ExAC 0.00001.
gnomAD v4.1: 4 of 1,614,190 alleles (0.00025%); highest among the groups gnomAD compares: East Asian, 0.0022%; no homozygotes.

Submission:

Labcorp Genetics (formerly Invitae), Labcorp
Classification: Uncertain significance for Emery-Dreifuss muscular dystrophy 4, autosomal dominant; Autosomal recessive ataxia, Beauce type. Last evaluated: 2022-07-17. Review status: criteria provided, single submitter. Criteria: Invitae Variant Classification Sherloc (09022015). Collection method: clinical testing. Allele origin: germline.
Comment: This sequence change replaces tyrosine, which is neutral and polar, with cysteine, which is neutral and slightly polar, at codon 3467 of the SYNE1 protein (p.Tyr3467Cys). This variant is present in population databases (rs750619051, gnomAD 0.006%). This variant has not been reported in the literature in individuals affected with SYNE1-related conditions. Algorithms developed to predict the effect of missense changes on protein structure and function are either unavailable or do not agree on the potential impact of this missense change (SIFT: "Deleterious"; PolyPhen-2: "Benign"; Align-GVGD: "Class C65"). In summary, the available evidence is currently insufficient to determine the role of this variant in disease. Therefore, it has been classified as a Variant of Uncertain Significance.